The following is an entry in ClinVar:

ClinVar aggregate classification (germline): Likely pathogenic (1 of 4 stars; one submission).

Conditions:
Short-rib thoracic dysplasia 11 with or without polydactyly (SRTD11). Also called: SHORT-RIB THORACIC DYSPLASIA 11 WITHOUT POLYDACTYLY. Identifiers: Orphanet 474, Orphanet 93271, MedGen C3810200, MONDO:0014287, OMIM 615633.

Submission:

Labcorp Genetics (formerly Invitae), Labcorp
Classification: Likely pathogenic for Short-rib thoracic dysplasia 11 with or without polydactyly. Last evaluated: 2025-09-13. Review status: criteria provided, single submitter. Criteria: Invitae Variant Classification Sherloc (09022015). Collection method: clinical testing. Allele origin: germline.
Comment: This sequence change creates a premature translational stop signal (p.Thr473Serfs*9) in the WDR34 gene. While this is not anticipated to result in nonsense mediated decay, it is expected to disrupt the last 64 amino acid(s) of the WDR34 protein. This variant is present in population databases (rs755570414, gnomAD 0.03%). This variant has not been reported in the literature in individuals affected with WDR34-related conditions. This variant disrupts the C-terminus of the WDR34 protein. Other variant(s) that disrupt this region (p.Thr514Argfs*11, p.Glu523Thrfs, p.Gln494*) have been observed in individuals with WDR34-related conditions (PMID: 24183451, 29068549). This suggests that this may be a clinically significant region of the protein. In summary, the currently available evidence indicates that the variant is pathogenic, but additional data are needed to prove that conclusively. Therefore, this variant has been classified as Likely Pathogenic.

Literature cited by the submitters: PubMed 24183451; PubMed 29068549.

NM_052844.4(DYNC2I2):c.1418_1419del (p.Thr473fs)

Gene: DYNC2I2 (dynein 2 intermediate chain 2; minus strand). Cytogenetic location: 9q34.11.
Variant type: Microsatellite.
Coding change: c.1418_1419del on transcript NM_052844.4 (MANE Select); coding-DNA positions 1418 to 1419, 2 bases deleted (CA; older notation c.1418_1419delCA).
Protein change: p.Thr473fs; shifts the reading frame from threonine 473.
Molecular consequence: frameshift variant.
Genome position (GRCh38, 1-based): chr9:128,633,936-128,633,937, TG deleted on the plus strand (CA on the coding strand, the reverse complement: DYNC2I2 is on the minus strand); deleting any 2 consecutive bases within chr9:128,633,936-128,633,939 gives the same sequence; the c. name uses the placement nearest the transcript's 3' end. VCF-style (leftmost placement, unchanged base first): chr9-128633935-CTG-C. GRCh37 (hg19) VCF-style: chr9-131396214-CTG-C.
Other names: short protein forms T473fs.
Identifiers: ClinVar variation 1068136 (VCV001068136.7), dbSNP rs755570414, ClinGen allele CA5266191.
Genomic context (GRCh38, chr9:128,633,935, plus strand): 5'-GCTGGCTGTTGAACTCCAGACAGTAGACAGGGCTTTCATCCTGGGTTTGCTTGATCAAAA[CTG>C]TGGGTTTCTGGGAGCTTTTCTGGAGATCAAACAGCTGCACGTCACCTGCAAAGAGAGACA-3'